The following is an entry in ClinVar:

NM_014249.4(NR2E3):c.968T>C (p.Met323Thr)

Gene: NR2E3 (nuclear receptor subfamily 2 group E member 3; plus strand). Cytogenetic location: 15q23.
Variant type: single nucleotide variant.
Coding change: c.968T>C on transcript NM_014249.4 (MANE Select); coding-DNA position 968, T replaced by C.
Protein change: p.Met323Thr; replaces methionine 323 with threonine.
Molecular consequence: missense variant.
Genome position (GRCh38, 1-based): chr15:71,813,609, T>C. VCF-style: chr15-71813609-T-C. GRCh37 (hg19) VCF-style: chr15-72105950-T-C.
Other names: c.968T>C, p.Met323Thr (NM_016346.4); short protein forms M323T.
Identifiers: ClinVar variation 5003522 (VCV005003522.1).

ClinVar aggregate classification (germline): Uncertain significance (1 of 4 stars; one submission).

Conditions:
ENHANCED S-CONE SYNDROME 1 (ESCS1). Also called: RETINOSCHISIS WITH EARLY HEMERALOPIA; FAVRE HYALOIDEORETINAL DEGENERATION. Identifiers: MedGen CN380299, OMIM 268100.

gnomAD v4.1: 3 of 1,613,932 alleles (0.00019%); highest among the groups gnomAD compares: Non-Finnish European, 0.00025%; no homozygotes.

Submission:

Myriad Genetics, Inc.
Classification: Uncertain significance for ENHANCED S-CONE SYNDROME 1. Last evaluated: 2025-08-11. Review status: criteria provided, single submitter. Criteria: Myriad Autosomal Dominant, Autosomal Recessive and X-Linked Classification Criteria (2023). Collection method: clinical testing. Allele origin: unknown.
Comment: NM_014249.2(NR2E3):c.968T>C(M323T) is a missense variant classified as a variant of uncertain significance in the context of enhanced S-cone syndrome. M323T has been observed in a case with relevant disease (PMID: 36819107). Relevant functional assessments of this variant are not available in the literature. M323T has been observed in referenced population frequency databases. In summary, there is insufficient evidence to classify NM_014249.2(NR2E3):c.968T>C(M323T) as pathogenic or benign. Please note: this variant was assessed in the context of healthy population screening.

Literature cited by the submitters: PubMed 36819107.